The following is an entry in ClinVar:

NM_130468.4(CHST14):c.224C>A (p.Pro75Gln)

Gene: CHST14 (carbohydrate sulfotransferase 14; plus strand). Cytogenetic location: 15q15.1.
Variant type: single nucleotide variant.
Coding change: c.224C>A on transcript NM_130468.4 (MANE Select); coding-DNA position 224, C replaced by A.
Protein change: p.Pro75Gln; replaces proline 75 with glutamine.
Molecular consequence: missense variant.
Genome position (GRCh38, 1-based): chr15:40,471,437, C>A. VCF-style: chr15-40471437-C-A. GRCh37 (hg19) VCF-style: chr15-40763636-C-A.
Other names: short protein forms P75Q.
Identifiers: ClinVar variation 426194 (VCV000426194.3), dbSNP rs1085307491, ClinGen allele CA391764407.

ClinVar aggregate classification (germline): Uncertain significance. Review status: criteria provided, multiple submitters, no conflicts (2 of 4 stars). 2 submissions from 2 submitters: Uncertain significance (2). Last evaluated 2026-04-27.

Conditions:
Cardiovascular phenotype. Identifiers: MedGen CN230736.

Allele frequency attached by ClinVar (database versions not stated): gnomAD exomes 0.00001 and below 0.00001; TOPMed 0.00002; gnomAD 0.00001.

Submissions (2):

Ambry Genetics
Classification: Uncertain significance for Cardiovascular phenotype. Last evaluated: 2026-04-27. Review status: criteria provided, single submitter. Criteria: Ambry Variant Classification Scheme 2023. Collection method: clinical testing. Allele origin: germline.
Comment: The p.P75Q variant (also known as c.224C>A), located in coding exon 1 of the CHST14 gene, results from a C to A substitution at nucleotide position 224. The proline at codon 75 is replaced by glutamine, an amino acid with similar properties. This amino acid position is conserved. In addition, this alteration is predicted to be tolerated by in silico analysis. Based on the available evidence, the clinical significance of this variant remains unclear.

GeneDx
Classification: Uncertain significance. Last evaluated: 2017-04-27. Review status: criteria provided, single submitter. Criteria: GeneDx Variant Classification (06012015). Collection method: clinical testing. Allele origin: germline. Affected: yes.
Comment: The P75Q variant has not beenpublished as pathogenic or been reported as benign to our knowledge. It is not observed in large population cohorts(Lek et al., 2016; 1000 Genomes Consortium et al., 2015; Exome Variant Server). The P75Q variant is anon-conservative amino acid substitution, which is likely to impact secondary protein structure as these residues differin polarity, charge, size and/or other properties. In addition, this substitution occurs at a position that is conservedthrough mammals. However, in silico analysis is inconsistent in its predictions as to whether or not the variant isdamaging to the protein structure/function.